The following is an entry in ClinVar:

ClinVar aggregate classification (germline): Benign. Review status: criteria provided, multiple submitters, no conflicts (2 of 4 stars). 6 submissions from 6 submitters: Benign (5). 1 of the submissions does not count toward it. Last evaluated 2026-02-04.

Conditions:
Tay-Sachs disease, variant AB. Also called: Gm2-gangliosidosis, ab variant; GM2 Activator Deficiency. Identifiers: Orphanet 309246, MedGen C0268275, MONDO:0010099, OMIM 272750.

Allele frequency attached by ClinVar (database versions not stated): gnomAD 0.74665 and 0.73795; ExAC 0.76227; 1000 Genomes Project 30x 0.85978; 1000 Genomes Project 0.86022; ESP Exome Variant Server 0.72290; TOPMed 0.76143; gnomAD exomes 0.68811.

Submissions (6):

Labcorp Genetics (formerly Invitae), Labcorp
Classification: Benign for Tay-Sachs disease, variant AB. Last evaluated: 2026-02-04. Review status: criteria provided, single submitter. Criteria: Invitae Variant Classification Sherloc (09022015). Collection method: clinical testing. Allele origin: germline.

Genome-Nilou Lab
Classification: Benign for Tay-Sachs disease, variant AB. Last evaluated: 2021-08-10. Review status: criteria provided, single submitter. Criteria: ACMG Guidelines, 2015. Collection method: clinical testing. Allele origin: germline. Affected: no.

Illumina Laboratory Services, Illumina
Classification: Benign for Tay-Sachs disease, variant AB. Last evaluated: 2018-01-13. Review status: criteria provided, single submitter. Criteria: ICSL Variant Classification Criteria 13 December 2019. Collection method: clinical testing. Allele origin: germline.
Comment: This variant was observed in the ICSL laboratory as part of a predisposition screen in an ostensibly healthy population. It had not been previously curated by ICSL or reported in the Human Gene Mutation Database (HGMD: prior to June 1st, 2018), and was therefore a candidate for classification through an automated scoring system. Utilizing variant allele frequency, disease prevalence and penetrance estimates, and inheritance mode, an automated score was calculated to assess if this variant is too frequent to cause the disease. Based on the score and internal cut-off values, a variant classified as benign is not then subjected to further curation. The score for this variant resulted in a classification of benign for this disease.

Eurofins Ntd Llc (ga)
Classification: Benign. Last evaluated: 2014-02-04. Review status: criteria provided, single submitter. Criteria: EGL Classification Definitions 2015. Collection method: clinical testing. Allele origin: germline. Observed: 1 variant allele, 1 homozygote.

PreventionGenetics, part of Exact Sciences
Classification: Benign. Review status: criteria provided, single submitter. Criteria: ACMG Guidelines, 2015. Collection method: clinical testing. Allele origin: germline.

Mayo Clinic Laboratories, Mayo Clinic
Classification: Benign. Last evaluated: 2015-10-20. Review status: no assertion criteria provided. Collection method: clinical testing. Allele origin: unknown. Not counted in ClinVar's aggregate classification.

NM_000405.5(GM2A):c.205A>G (p.Met69Val)

Gene: GM2A (ganglioside GM2 activator; plus strand). Cytogenetic location: 5q33.1.
Variant type: single nucleotide variant.
Coding change: c.205A>G on transcript NM_000405.5 (MANE Select); coding-DNA position 205, A replaced by G.
Protein change: p.Met69Val; replaces methionine 69 with valine.
Molecular consequence: missense variant.
Genome position (GRCh38, 1-based): chr5:151,259,878, A>G. VCF-style: chr5-151259878-A-G. GRCh37 (hg19) VCF-style: chr5-150639439-A-G.
Other names: c.205A>G, p.Met69Val (NM_001167607.3); short protein forms M69V.
Identifiers: ClinVar variation 167151 (VCV000167151.23), dbSNP rs153478, ClinGen allele CA180087.
Genomic context (GRCh38, chr5:151,259,878, plus strand): 5'-AGAAGCCTGACTCTGGAGCCTGACCCCATCATCGTTCCTGGAAATGTGACCCTCAGTGTC[A>G]TGGGCAGCACCAGTGTCCCCCTGAGTTCTCCTCTGAAGGTGAGCCTGGGGGTGGGTGGAG-3'
Protein context (NP_000396.2, residues 59-79): IVPGNVTLSV[Met69Val]GSTSVPLSSP